The following is an entry in ClinVar:

NM_000062.3(SERPING1):c.1479del (p.Arg494fs)

Gene: SERPING1 (serpin family G member 1; plus strand). Cytogenetic location: 11q12.1.
Variant type: Deletion.
Coding change: c.1479del on transcript NM_000062.3 (MANE Select); coding-DNA position 1479, one base deleted (G; older notation c.1479delG).
Protein change: p.Arg494fs; shifts the reading frame from arginine 494.
Molecular consequence: frameshift variant.
Genome position (GRCh38, 1-based): chr11:57,614,557, G deleted; the last of 4 consecutive G bases (chr11:57,614,554-57,614,557); deleting any one gives the same sequence. VCF-style (leftmost placement, unchanged base first): chr11-57614553-TG-T. GRCh37 (hg19) VCF-style: chr11-57382026-TG-T.
Other names: c.1479del, p.Arg494fs (NM_001032295.2); c.1479delG (NM_000062.3); short protein forms R494fs.
Identifiers: ClinVar variation 3257749 (VCV003257749.2).

ClinVar aggregate classification (germline): Likely pathogenic (1 of 4 stars; one submission).

Conditions:
Hereditary angioedema type 1 (HAE1). Identifiers: Orphanet 100050, Orphanet 100051, Orphanet 91378, MedGen C2717906, MONDO:0015053, OMIM 106100.

Submission:

DNA-diagnostics Laboratory, Research Centre For Medical Genetics
Classification: Likely pathogenic for Hereditary angioedema type 1. Last evaluated: 2024-08-02. Review status: criteria provided, single submitter. Criteria: ACMG Guidelines, 2015. Collection method: research. Allele origin: germline. Inheritance: Autosomal dominant inheritance. Affected: yes. Observed: 1 heterozygote.
Comment: According to our observation and published information ( Xu et al., 2012), the c.1479delG variant in SERPING1 meets ACMG/ClinGen SVI guidance criteria to be classified as likely pathogenic: PVS1_Mod, PS4_Mod, PP4_Mod, PM2_Sup

Literature cited by the submitters: PubMed 22994404.